The following is an entry in ClinVar:

NM_181426.2(CCDC39):c.841A>T (p.Lys281Ter)

Gene: CCDC39 (coiled-coil domain 39 molecular ruler complex subunit; minus strand). Cytogenetic location: 3q26.33.
Variant type: single nucleotide variant.
Coding change: c.841A>T on transcript NM_181426.2 (MANE Select); coding-DNA position 841, A replaced by T.
Protein change: p.Lys281Ter; replaces lysine 281 with a stop codon.
Molecular consequence: nonsense.
Genome position (GRCh38, 1-based): chr3:180,654,851, T>A on the plus strand (A>T on the coding strand, the complement: CCDC39 is on the minus strand). VCF-style: chr3-180654851-T-A. GRCh37 (hg19) VCF-style: chr3-180372639-T-A.
Other names: short protein forms K281*.
Identifiers: ClinVar variation 1901749 (VCV001901749.5), dbSNP rs376352893, ClinGen allele CA355300423.

ClinVar aggregate classification (germline): Pathogenic (1 of 4 stars; one submission).

Conditions:
Primary ciliary dyskinesia. Also called: Ciliary dyskinesia. Identifiers: Orphanet 244, MedGen C0008780, MONDO:0016575, HP:0012265.

gnomAD v4.1: 4 of 1,609,532 alleles (0.00025%); highest among the groups gnomAD compares: Non-Finnish European, 0.00034%; no homozygotes.

Submission:

Labcorp Genetics (formerly Invitae), Labcorp
Classification: Pathogenic for Primary ciliary dyskinesia. Last evaluated: 2025-02-10. Review status: criteria provided, single submitter. Criteria: Invitae Variant Classification Sherloc (09022015). Collection method: clinical testing. Allele origin: germline.
Comment: This sequence change creates a premature translational stop signal (p.Lys281*) in the CCDC39 gene. It is expected to result in an absent or disrupted protein product. Loss-of-function variants in CCDC39 are known to be pathogenic (PMID: 21131972, 23255504). This variant is not present in population databases (gnomAD no frequency). This variant has not been reported in the literature in individuals affected with CCDC39-related conditions. ClinVar contains an entry for this variant (Variation ID: 1901749). Algorithms developed to predict the effect of sequence changes on RNA splicing suggest that this variant may disrupt the consensus splice site. For these reasons, this variant has been classified as Pathogenic.

Literature cited by the submitters: PubMed 21131972; PubMed 23255504.